The following is an entry in ClinVar:

ClinVar aggregate classification (germline): Likely benign. Review status: criteria provided, multiple submitters, no conflicts (2 of 4 stars). 2 submissions from 2 submitters: Likely benign (2). Last evaluated 2025-03-06.

Conditions:
Developmental and epileptic encephalopathy, 25 (DEE25). Also called: Epileptic encephalopathy, early infantile, 25; Developmental and epileptic encephalopathy 25, with amelogenesis imperfecta; Epileptic encephalopathy, early infantile, 25, with amelogenesis imperfecta. Identifiers: Orphanet 442835, MedGen C4014621, MONDO:0014392, OMIM 615905.
SLC13A5-related disorder. Also called: SLC13A5-related condition.

Allele frequency attached by ClinVar (database versions not stated): gnomAD 0.00001 and 0.00002; TOPMed 0.00005; gnomAD exomes 0.00006; ExAC 0.00009; 1000 Genomes Project 30x 0.00016; 1000 Genomes Project 0.00020; ESP Exome Variant Server 0.00023.
gnomAD v4.1: 42 of 1,613,936 alleles (0.0026%); highest among the groups gnomAD compares: African/African-American, 0.0093%; no homozygotes.

Submissions (2):

PreventionGenetics, part of Exact Sciences
Classification: Likely benign for SLC13A5-related condition. Last evaluated: 2025-03-06. Review status: criteria provided, single submitter. Criteria: ACMG Guidelines, 2015. Collection method: clinical testing. Allele origin: germline.
Comment: This variant is classified as likely benign based on ACMG/AMP sequence variant interpretation guidelines (Richards et al. 2015 PMID: 25741868, with internal and published modifications).

Labcorp Genetics (formerly Invitae), Labcorp
Classification: Likely benign for Developmental and epileptic encephalopathy, 25. Last evaluated: 2024-07-15. Review status: criteria provided, single submitter. Criteria: Invitae Variant Classification Sherloc (09022015). Collection method: clinical testing. Allele origin: germline.

NM_177550.5(SLC13A5):c.861C>T (p.Cys287=)

Gene: SLC13A5 (solute carrier family 13 member 5; minus strand). Cytogenetic location: 17p13.1.
Variant type: single nucleotide variant.
Coding change: c.861C>T on transcript NM_177550.5 (MANE Select); coding-DNA position 861, C replaced by T.
Protein change: p.Cys287=; no amino-acid change (cysteine 287 retained).
Molecular consequence: synonymous variant.
Genome position (GRCh38, 1-based): chr17:6,695,920, G>A on the plus strand (C>T on the coding strand, the complement: SLC13A5 is on the minus strand). VCF-style: chr17-6695920-G-A. GRCh37 (hg19) VCF-style: chr17-6599239-G-A.
Other names: c.861C>T (NM_177550.4); c.861C>T, p.Cys287= (NM_001143838.3); c.810C>T, p.Cys270= (NM_001284509.2); c.732C>T, p.Cys244= (NM_001284510.2).
Identifiers: ClinVar variation 1159847 (VCV001159847.10), dbSNP rs148018915, ClinGen allele CA8331581.